The following is an entry in ClinVar:

NM_007294.4(BRCA1):c.4697C>G (p.Ser1566Cys)

Gene: BRCA1 (BRCA1 DNA repair associated; minus strand). Cytogenetic location: 17q21.31.
Variant type: single nucleotide variant.
Coding change: c.4697C>G on transcript NM_007294.4 (MANE Select); coding-DNA position 4697, C replaced by G.
Protein change: p.Ser1566Cys; replaces serine 1566 with cysteine.
Molecular consequence: missense variant. On other transcripts: non-coding transcript variant (1).
Genome position (GRCh38, 1-based): chr17:43,071,217, G>C on the plus strand (C>G on the coding strand, the complement: BRCA1 is on the minus strand). VCF-style: chr17-43071217-G-C. GRCh37 (hg19) VCF-style: chr17-41223234-G-C.
Other names: c.4484C>G, p.Ser1495Cys (NM_001407571.1, NM_001407894.1, NM_001407895.1 and 12 more transcripts); c.4763C>G, p.Ser1588Cys (NM_001407581.1, NM_001407582.1); c.4760C>G, p.Ser1587Cys (NM_001407583.1, NM_001407585.1, NM_001407587.1 and 1 more transcripts); c.4757C>G, p.Ser1586Cys (NM_001407590.1, NM_001407591.1); c.4697C>G, p.Ser1566Cys (NM_001407593.1, NM_001407594.1, NM_001407596.1 and 8 more transcripts); c.4694C>G, p.Ser1565Cys (NM_001407619.1, NM_001407620.1, NM_001407621.1 and 17 more transcripts); c.1388C>G, p.Ser463Cys (NM_001407976.1, NM_001407977.1, NM_001407978.1 and 3 more transcripts); c.1385C>G, p.Ser462Cys (NM_001407979.1, NM_001407980.1, NM_001407981.1 and 13 more transcripts); and 70 more; short protein forms S1566C, S1587C, S1519C, S462C, S1270C, S1437C, S1438C, S1477C.
Identifiers: ClinVar variation 565578 (VCV000565578.14), dbSNP rs1060502325, ClinGen allele CA10592116.

ClinVar aggregate classification (germline): Uncertain significance. Review status: criteria provided, multiple submitters, no conflicts (2 of 4 stars). 3 submissions from 3 submitters: Uncertain significance (3). Last evaluated 2025-07-29.

Conditions:
Hereditary cancer-predisposing syndrome. Also called: Hereditary neoplastic syndrome; Neoplastic Syndromes, Hereditary; Tumor predisposition; Hereditary Cancer Syndrome. Identifiers: Orphanet 140162, MedGen C0027672, MeSH D009386, MONDO:0015356.
Hereditary breast ovarian cancer syndrome. Also called: BRCA1- and BRCA2-Associated Hereditary Breast and Ovarian Cancer; Hereditary breast and ovarian cancer syndrome; Hereditary breast and ovarian cancer; Hereditary breast and ovarian cancer syndrome (HBOC); Hereditary breast and/or ovarian cancer syndrome; Breast and ovarian cancer. Identifiers: Orphanet 145, MedGen C0677776, MeSH D061325, MONDO:0003582. Disease mechanism: loss of function.

Submissions (3):

Ambry Genetics
Classification: Uncertain significance for Hereditary cancer-predisposing syndrome. Last evaluated: 2025-07-29. Review status: criteria provided, single submitter. Criteria: Ambry Variant Classification Scheme 2023. Collection method: clinical testing. Allele origin: germline.
Comment: The p.S1566C variant (also known as c.4697C>G), located in coding exon 14 of the BRCA1 gene, results from a C to G substitution at nucleotide position 4697. The serine at codon 1566 is replaced by cysteine, an amino acid with dissimilar properties. This amino acid position is highly conserved in available vertebrate species. In addition, this alteration is predicted to be deleterious by in silico analysis. Based on the available evidence, the clinical significance of this variant remains unclear.

Labcorp Genetics (formerly Invitae), Labcorp
Classification: Uncertain significance for Hereditary breast ovarian cancer syndrome. Last evaluated: 2023-01-30. Review status: criteria provided, single submitter. Criteria: Invitae Variant Classification Sherloc (09022015). Collection method: clinical testing. Allele origin: germline.
Comment: In summary, the available evidence is currently insufficient to determine the role of this variant in disease. Therefore, it has been classified as a Variant of Uncertain Significance. Advanced modeling of protein sequence and biophysical properties (such as structural, functional, and spatial information, amino acid conservation, physicochemical variation, residue mobility, and thermodynamic stability) has been performed at Invitae for this missense variant, however the output from this modeling did not meet the statistical confidence thresholds required to predict the impact of this variant on BRCA1 protein function. ClinVar contains an entry for this variant (Variation ID: 565578). This variant has not been reported in the literature in individuals affected with BRCA1-related conditions. This variant is not present in population databases (gnomAD no frequency). This sequence change replaces serine, which is neutral and polar, with cysteine, which is neutral and slightly polar, at codon 1566 of the BRCA1 protein (p.Ser1566Cys).

Clinical Genetics Laboratory, Skane University Hospital Lund
Classification: Uncertain significance. Last evaluated: 2022-05-27. Review status: criteria provided, single submitter. Criteria: ACMG Guidelines, 2015. Collection method: clinical testing. Allele origin: germline. Affected: yes.